The following is an entry in ClinVar:

NM_152383.5(DIS3L2):c.726A>T (p.Lys242Asn)

Gene: DIS3L2 (DIS3 like 3'-5' exoribonuclease 2; plus strand). Cytogenetic location: 2q37.1.
Variant type: single nucleotide variant.
Coding change: c.726A>T on transcript NM_152383.5 (MANE Select); coding-DNA position 726, A replaced by T.
Protein change: p.Lys242Asn; replaces lysine 242 with asparagine.
Molecular consequence: missense variant. On other transcripts: non-coding transcript variant (1).
Genome position (GRCh38, 1-based): chr2:232,136,495, A>T. VCF-style: chr2-232136495-A-T. GRCh37 (hg19) VCF-style: chr2-233001205-A-T.
Other names: c.726A>T, p.Lys242Asn (NM_001257281.2); short protein forms K242N.
Identifiers: ClinVar variation 947952 (VCV000947952.9), dbSNP rs1229972162, ClinGen allele CA351153461.

ClinVar aggregate classification (germline): Uncertain significance (1 of 4 stars; one submission).

Conditions:
Perlman syndrome (PRLMNS). Identifiers: Orphanet 2849, MedGen C0796113, MONDO:0009965, OMIM 267000.

Submission:

Labcorp Genetics (formerly Invitae), Labcorp
Classification: Uncertain significance for Perlman syndrome. Last evaluated: 2019-04-14. Review status: criteria provided, single submitter. Criteria: Invitae Variant Classification Sherloc (09022015). Collection method: clinical testing. Allele origin: germline.
Comment: This variant has not been reported in the literature in individuals with DIS3L2-related conditions. In summary, the available evidence is currently insufficient to determine the role of this variant in disease. Therefore, it has been classified as a Variant of Uncertain Significance. Algorithms developed to predict the effect of missense changes on protein structure and function are either unavailable or do not agree on the potential impact of this missense change (SIFT: "Deleterious"; PolyPhen-2: "Possibly Damaging"; Align-GVGD: "Class C0"). This variant is not present in population databases (ExAC no frequency). This sequence change replaces lysine with asparagine at codon 242 of the DIS3L2 protein (p.Lys242Asn). The lysine residue is moderately conserved and there is a moderate physicochemical difference between lysine and asparagine.